The following is an entry in ClinVar:

ClinVar aggregate classification (germline): Uncertain significance (1 of 4 stars; one submission).

Conditions:
Rhabdoid tumor predisposition syndrome 2 (RTPS2). Identifiers: Orphanet 231108, Orphanet 69077, MedGen C2750074, MONDO:0013224, OMIM 613325.

Submission:

Labcorp Genetics (formerly Invitae), Labcorp
Classification: Uncertain significance for Rhabdoid tumor predisposition syndrome 2. Last evaluated: 2024-04-22. Review status: criteria provided, single submitter. Criteria: Invitae Variant Classification Sherloc (09022015). Collection method: clinical testing. Allele origin: germline.
Comment: This sequence change replaces glycine, which is neutral and non-polar, with arginine, which is basic and polar, at codon 1232 of the SMARCA4 protein (p.Gly1232Arg). This variant is not present in population databases (gnomAD no frequency). This variant has not been reported in the literature in individuals affected with SMARCA4-related conditions. Advanced modeling of protein sequence and biophysical properties (such as structural, functional, and spatial information, amino acid conservation, physicochemical variation, residue mobility, and thermodynamic stability) performed at Invitae indicates that this missense variant is expected to disrupt SMARCA4 protein function with a positive predictive value of 95%. In summary, the available evidence is currently insufficient to determine the role of this variant in disease. Therefore, it has been classified as a Variant of Uncertain Significance.

NM_003072.5(SMARCA4):c.3694G>C (p.Gly1232Arg)

Gene: SMARCA4 (SWI/SNF related BAF chromatin remodeling complex subunit ATPase 4; plus strand). Cytogenetic location: 19p13.2.
Variant type: single nucleotide variant.
Coding change: c.3694G>C on transcript NM_003072.5 (MANE Select); coding-DNA position 3694, G replaced by C.
Protein change: p.Gly1232Arg; replaces glycine 1232 with arginine.
Molecular consequence: missense variant. On other transcripts: non-coding transcript variant (1).
Genome position (GRCh38, 1-based): chr19:11,033,437, G>C. VCF-style: chr19-11033437-G-C. GRCh37 (hg19) VCF-style: chr19-11144113-G-C.
Other names: c.3694G>C, p.Gly1232Arg (NM_001128844.3, NM_001128845.2, NM_001128846.2 and 6 more transcripts); short protein forms G1232R.
Identifiers: ClinVar variation 3636880 (VCV003636880.2).